The following is an entry in ClinVar:

ClinVar aggregate classification (germline): Uncertain significance (1 of 4 stars; one submission).

gnomAD v4.1: 1 of 1,480,042 alleles (0.000068%); highest among the groups gnomAD compares: Non-Finnish European, 0.000089%; no homozygotes.

Submission:

Labcorp Genetics (formerly Invitae), Labcorp
Classification: Uncertain significance. Last evaluated: 2021-08-24. Review status: criteria provided, single submitter. Criteria: Invitae Variant Classification Sherloc (09022015). Collection method: clinical testing. Allele origin: germline.
Comment: This sequence change replaces alanine with threonine at codon 23 of the RETREG1 protein (p.Ala23Thr). The alanine residue is weakly conserved and there is a small physicochemical difference between alanine and threonine. The frequency data for this variant in the population databases is considered unreliable, as metrics indicate insufficient coverage at this position in the ExAC database. This variant has not been reported in the literature in individuals affected with RETREG1-related conditions. Algorithms developed to predict the effect of missense changes on protein structure and function are either unavailable or do not agree on the potential impact of this missense change (SIFT: "Tolerated"; PolyPhen-2: "Not Available"; Align-GVGD: "Class C0"). In summary, the available evidence is currently insufficient to determine the role of this variant in disease. Therefore, it has been classified as a Variant of Uncertain Significance.

NM_001034850.3(RETREG1):c.67G>A (p.Ala23Thr)

Genes: RETREG1 (reticulophagy regulator 1; minus strand), RETREG1-AS1 (RETREG1 antisense RNA 1; plus strand), LOC129993734 (ATAC-STARR-seq lymphoblastoid silent region 15947; plus strand). Cytogenetic location: 5p15.1.
Variant type: single nucleotide variant.
Coding change: c.67G>A on transcript NM_001034850.3 (MANE Select); coding-DNA position 67, G replaced by A.
Protein change: p.Ala23Thr; replaces alanine 23 with threonine.
Molecular consequence: missense variant.
Genome position (GRCh38, 1-based): chr5:16,616,905, C>T on the plus strand (G>A on the coding strand, the complement: RETREG1 is on the minus strand). VCF-style: chr5-16616905-C-T. GRCh37 (hg19) VCF-style: chr5-16617014-C-T.
Other names: short protein forms A23T.
Identifiers: ClinVar variation 1020432 (VCV001020432.6), dbSNP rs1167496869, ClinGen allele CA359293087.